The following is an entry in ClinVar:

ClinVar aggregate classification (germline): Uncertain significance (1 of 4 stars; one submission).

Submission:

Labcorp Genetics (formerly Invitae), Labcorp
Classification: Uncertain significance. Last evaluated: 2024-05-10. Review status: criteria provided, single submitter. Criteria: Invitae Variant Classification Sherloc (09022015). Collection method: clinical testing. Allele origin: germline.
Comment: This sequence change replaces asparagine, which is neutral and polar, with serine, which is neutral and polar, at codon 266 of the KRT9 protein (p.Asn266Ser). This variant is not present in population databases (gnomAD no frequency). This variant has not been reported in the literature in individuals affected with KRT9-related conditions. Advanced modeling of protein sequence and biophysical properties (such as structural, functional, and spatial information, amino acid conservation, physicochemical variation, residue mobility, and thermodynamic stability) performed at Invitae indicates that this missense variant is not expected to disrupt KRT9 protein function with a negative predictive value of 80%. In summary, the available evidence is currently insufficient to determine the role of this variant in disease. Therefore, it has been classified as a Variant of Uncertain Significance.

NM_000226.4(KRT9):c.797A>G (p.Asn266Ser)

Gene: KRT9 (keratin 9; minus strand). Cytogenetic location: 17q21.2.
Variant type: single nucleotide variant.
Coding change: c.797A>G on transcript NM_000226.4 (MANE Select); coding-DNA position 797, A replaced by G.
Protein change: p.Asn266Ser; replaces asparagine 266 with serine.
Molecular consequence: missense variant.
Genome position (GRCh38, 1-based): chr17:41,569,944, T>C on the plus strand (A>G on the coding strand, the complement: KRT9 is on the minus strand). VCF-style: chr17-41569944-T-C. GRCh37 (hg19) VCF-style: chr17-39726196-T-C.
Other names: short protein forms N266S.
Identifiers: ClinVar variation 3690644 (VCV003690644.2).